The following is an entry in ClinVar:

ClinVar aggregate classification (germline): Uncertain significance (1 of 4 stars; one submission).

Allele frequency attached by ClinVar (database versions not stated): gnomAD exomes below 0.00001.
gnomAD v4.1: 2 of 1,599,004 alleles (0.00013%); highest among the groups gnomAD compares: African/African-American, 0.0027%; no homozygotes.

Submission:

Labcorp Genetics (formerly Invitae), Labcorp
Classification: Uncertain significance. Last evaluated: 2023-01-28. Review status: criteria provided, single submitter. Criteria: Invitae Variant Classification Sherloc (09022015). Collection method: clinical testing. Allele origin: germline.
Comment: In summary, the available evidence is currently insufficient to determine the role of this variant in disease. Therefore, it has been classified as a Variant of Uncertain Significance. Algorithms developed to predict the effect of missense changes on protein structure and function output the following: SIFT: "Deleterious"; PolyPhen-2: "Possibly Damaging"; Align-GVGD: "Class C0". The leucine amino acid residue is found in multiple mammalian species, which suggests that this missense change does not adversely affect protein function. This variant has not been reported in the literature in individuals affected with ALPK3-related conditions. This variant is not present in population databases (gnomAD no frequency). This sequence change replaces serine, which is neutral and polar, with leucine, which is neutral and non-polar, at codon 1287 of the ALPK3 protein (p.Ser1287Leu).

NM_020778.5(ALPK3):c.3254C>T (p.Ser1085Leu)

Gene: ALPK3 (alpha kinase 3; plus strand). Cytogenetic location: 15q25.3.
Variant type: single nucleotide variant.
Coding change: c.3254C>T on transcript NM_020778.5 (MANE Select); coding-DNA position 3254, C replaced by T.
Protein change: p.Ser1085Leu; replaces serine 1085 with leucine.
Molecular consequence: missense variant.
Genome position (GRCh38, 1-based): chr15:84,857,992, C>T. VCF-style: chr15-84857992-C-T. GRCh37 (hg19) VCF-style: chr15-85401223-C-T.
Other names: short protein forms S1085L.
Identifiers: ClinVar variation 2804034 (VCV002804034.3), dbSNP rs2505721581, ClinGen allele CA393359905.
Genomic context (GRCh38, chr15:84,857,992, plus strand): 5'-GTCCCAGCTCCCTCACTGTCCCTGCCATTGTGGTAGACGAGGAGGACCCTGGGCTGGCCT[C>T]AGAAGGAGCCAGTGAGGGTGAAGGAGAGGTTTCCCCTGAGGGGCCTGGCCTCCTGGGGGC-3'
Protein context (NP_065829.4, residues 1075-1095): VVDEEDPGLA[Ser1085Leu]EGASEGEGEV